The following is an entry in ClinVar:

ClinVar aggregate classification (germline): Pathogenic. Review status: criteria provided, multiple submitters, no conflicts (2 of 4 stars). 6 submissions from 5 submitters: Pathogenic (4). 2 of the submissions do not count toward it. Last evaluated 2025-06-13.

Conditions:
DGUOK-related disorder. Also called: DGUOK-related condition.
Progressive external ophthalmoplegia with mitochondrial DNA deletions, autosomal recessive 4. Also called: PROGRESSIVE EXTERNAL OPHTHALMOPLEGIA, AUTOSOMAL RECESSIVE 4; Adult-onset multiple mitochondrial DNA deletion syndrome due to DGUOK deficiency. Identifiers: Orphanet 329314, MedGen C4310733, MONDO:0014899, OMIM 617070.
Mitochondrial DNA depletion syndrome 3 (hepatocerebral type). Also called: MITOCHONDRIAL DNA DEPLETION SYNDROME 3; Mitochondrial DNA depletion syndrome, hepatocerebral form due to DGUOK deficiency; Deoxyguanosine Kinase Deficiency. Identifiers: Orphanet 279934, MedGen CN074093, MONDO:0009636, OMIM 251880.

Submissions (6):

PreventionGenetics, part of Exact Sciences
Classification: Pathogenic for DGUOK-related condition. Last evaluated: 2025-06-13. Review status: criteria provided, single submitter. Criteria: ACMG Guidelines, 2015. Collection method: clinical testing. Allele origin: germline.
Comment: The DGUOK c.605_606delGA variant is predicted to result in a frameshift and premature protein termination (p.Arg202Thrfs*13). This variant has been reported in the compound heterozygous state in two individuals with autosomal recessive mitochondrial DNA depletion syndrome (Alberio et al. 2007. PubMed ID: 17280874; Dimmock et al. 2008. PubMed ID: 18205204) and in an individual with progressive external ophthalmoplegia with mitochondrial deletions (Ronchi et al. 2012. PubMed ID: 23043144). This variant is reported in 0.0018% of alleles in individuals of European (non-Finnish) descent in gnomAD and is interpreted as pathogenic in ClinVar. Frameshift variants in DGUOK are expected to be pathogenic. This variant is interpreted as pathogenic.

Labcorp Genetics (formerly Invitae), Labcorp
Classification: Pathogenic. Last evaluated: 2024-01-16. Review status: criteria provided, single submitter. Criteria: Invitae Variant Classification Sherloc (09022015). Collection method: clinical testing. Allele origin: germline.
Comment: This sequence change creates a premature translational stop signal (p.Arg202Thrfs*13) in the DGUOK gene. It is expected to result in an absent or disrupted protein product. Loss-of-function variants in DGUOK are known to be pathogenic (PMID: 18205204). This variant is present in population databases (no rsID available, gnomAD 0.002%). This premature translational stop signal has been observed in individual(s) with DGUOK-related conditions (PMID: 17280874). This variant is also known as 603-604 delGA (K201fs214X). ClinVar contains an entry for this variant (Variation ID: 214288). Algorithms developed to predict the effect of sequence changes on RNA splicing suggest that this variant may disrupt the consensus splice site. For these reasons, this variant has been classified as Pathogenic.

GeneDx
Classification: Pathogenic. Last evaluated: 2019-07-01. Review status: criteria provided, single submitter. Criteria: GeneDx Variant Classification Process June 2021. Collection method: clinical testing. Allele origin: germline. Affected: yes.
Comment: Frameshift variant predicted to result in protein truncation or nonsense mediated decay in a gene for which loss-of-function is a known mechanism of disease; Not observed at a significant frequency in large population cohorts (Lek et al., 2016); This variant is associated with the following publications: (PMID: 30609409, 17280874, 18205204, 23043144, 24478274)

Laboratory for Molecular Medicine, Mass General Brigham Personalized Medicine
Classification: Pathogenic for Mitochondrial DNA depletion syndrome 3 (hepatocerebral type). Last evaluated: 2017-04-14. Review status: criteria provided, single submitter. Criteria: LMM Criteria. Collection method: clinical testing. Allele origin: germline. Inheritance: Autosomal recessive inheritance. Observed: 1 variant allele.
Comment: The p.Arg202ThrfsX13 (NM_080916.2 c.605_606delGA) variant in DGUOK has been repo rted in 3 compound heterozygous individuals with clinical features of Deoxyguano sine kinase deficiency or mitochondrial DNA depletion syndrome (Ronchi 2012 and Alberio 2007). This variant has also been reported in ClinVar (Variation ID#2142 88) as pathogenic by 1 laboratory. This variant has been identified in 0.002% (2 /11,2150) of European chromosomes by the Genome Aggregation Database (gnomAD). Although this variant has been seen in the gene ral population, its frequency is low enough to be consistent with a recessive ca rrier frequency. This variant is predicted to cause a frameshift, which alters t he protein?s amino acid sequence beginning at position 202 and leads to a premat ure termination codon 13 amino acids downstream. This alteration is then predict ed to lead to a truncated or absent protein. Biallelic loss of function of funct ion of the DGUOK gene is an established disease mechanism in Deoxyguanosine kina se deficiency. In summary, this variant meets criteria to be classified as patho genic for Deoxyguanosine kinase deficiency in an autosomal recessive manner base d upon its occurrence in patients and predicted null effect.

OMIM
Classification: Pathogenic for MITOCHONDRIAL DNA DEPLETION SYNDROME 3 (HEPATOCEREBRAL TYPE). Last evaluated: 2016-08-18. Review status: no assertion criteria provided. Collection method: literature only. Allele origin: germline. Not counted in ClinVar's aggregate classification.

OMIM
Classification: Pathogenic for PROGRESSIVE EXTERNAL OPHTHALMOPLEGIA WITH MITOCHONDRIAL DNA DELETIONS, AUTOSOMAL RECESSIVE 4. Last evaluated: 2016-08-18. Review status: no assertion criteria provided. Collection method: literature only. Allele origin: germline. Not counted in ClinVar's aggregate classification.

Literature cited by the submitters: PubMed 18205204 (cited by Labcorp Genetics (formerly Invitae), Labcorp); PubMed 17280874 (cited by Labcorp Genetics (formerly Invitae), Labcorp and Laboratory for Molecular Medicine, Mass General Brigham Personalized Medicine); PubMed 23043144 (cited by Laboratory for Molecular Medicine, Mass General Brigham Personalized Medicine and OMIM).

NM_080916.3(DGUOK):c.605_606del (p.Arg202fs)

Gene: DGUOK (deoxyguanosine kinase; plus strand). Cytogenetic location: 2p13.1.
Variant type: Microsatellite.
Coding change: c.605_606del on transcript NM_080916.3 (MANE Select); coding-DNA positions 605 to 606, 2 bases deleted (GA; older notation c.605_606delGA).
Protein change: p.Arg202fs; shifts the reading frame from arginine 202.
Molecular consequence: frameshift variant. On other transcripts: non-coding transcript variant (1), intron variant (2).
Genome position (GRCh38, 1-based): chr2:73,957,138-73,957,139, GA deleted; deleting any 2 consecutive bases within chr2:73,957,135-73,957,139 gives the same sequence; the c. name uses the placement nearest the transcript's 3' end. VCF-style (leftmost placement, unchanged base first): chr2-73957134-AAG-A. GRCh37 (hg19) VCF-style: chr2-74184261-AAG-A.
Other names: c.314_315del, p.Arg105fs (NM_001318860.2, NM_001318861.2); c.296_297del, p.Arg99fs (NM_001318862.2, NM_001318863.2); c.444-1008_444-1007del (NM_080918.3); c.426-1008_426-1007del (NM_001318859.2); c.605_606delGA (NM_080916.1); short protein forms R105fs, R99fs, R202fs.
Identifiers: ClinVar variation 214288 (VCV000214288.11), dbSNP rs863223949, ClinGen allele CA320991.